The following is an entry in ClinVar:

ClinVar aggregate classification (germline): Conflicting classifications of pathogenicity. Review status: criteria provided, conflicting classifications (1 of 4 stars). 4 submissions from 4 submitters: Uncertain significance (1); Likely benign (2). 1 of the submissions does not count toward it. Last evaluated 2026-02-25.

Conditions:
Intellectual disability. Also called: Intellectual developmental disorder; Intellectual functioning disability; intellectual disabilities. Identifiers: MedGen C3714756, MeSH D008607, MONDO:0001071, HP:0001249.
ADNP-related disorder. Also called: ADNP-related condition.

Allele frequency attached by ClinVar (database versions not stated): gnomAD exomes below 0.00001 and 0.00001; ExAC 0.00001; gnomAD 0.00001; TOPMed 0.00001.
gnomAD v4.1: 10 of 1,613,998 alleles (0.00062%); highest among the groups gnomAD compares: Admixed American, 0.0033%; no homozygotes.

Submissions (4):

GeneDx
Classification: Uncertain significance. Last evaluated: 2026-02-25. Review status: criteria provided, single submitter. Criteria: GeneDx Variant Classification Process June 2021. Collection method: clinical testing. Allele origin: germline.
Comment: In silico analysis suggests that this missense variant does not alter protein structure/function; Has not been previously published as pathogenic or benign to our knowledge

PreventionGenetics, part of Exact Sciences
Classification: Likely benign for ADNP-related condition. Last evaluated: 2025-12-21. Review status: criteria provided, single submitter. Criteria: ACMG Guidelines, 2015. Collection method: clinical testing. Allele origin: germline.
Comment: This variant is classified as likely benign based on ACMG/AMP sequence variant interpretation guidelines (Richards et al. 2015 PMID: 25741868, with internal and published modifications).

Labcorp Genetics (formerly Invitae), Labcorp
Classification: Likely benign. Last evaluated: 2024-12-24. Review status: criteria provided, single submitter. Criteria: Invitae Variant Classification Sherloc (09022015). Collection method: clinical testing. Allele origin: germline.

Centre de Biologie Pathologie Génétique, Centre Hospitalier Universitaire de Lille
Classification: Likely benign for Intellectual disability. Last evaluated: 2019-01-01. Review status: no assertion criteria provided. Collection method: clinical testing. Allele origin: inherited. Affected: yes. Not counted in ClinVar's aggregate classification.

NM_001282531.3(ADNP):c.1123G>A (p.Gly375Arg)

Gene: ADNP (activity dependent neuroprotector homeobox; minus strand). Cytogenetic location: 20q13.13.
Variant type: single nucleotide variant.
Coding change: c.1123G>A on transcript NM_001282531.3 (MANE Select); coding-DNA position 1123, G replaced by A.
Protein change: p.Gly375Arg; replaces glycine 375 with arginine.
Molecular consequence: missense variant.
Genome position (GRCh38, 1-based): chr20:50,893,591, C>T on the plus strand (G>A on the coding strand, the complement: ADNP is on the minus strand). VCF-style: chr20-50893591-C-T. GRCh37 (hg19) VCF-style: chr20-49510128-C-T.
Other names: c.1123G>A (NM_015339.2, NM_001282531.2); c.1123G>A, p.Gly375Arg (NM_001282532.2, NM_001347511.2, NM_015339.5 and 1 more transcripts); short protein forms G375R.
Identifiers: ClinVar variation 975319 (VCV000975319.6), dbSNP rs763980090, ClinGen allele CA9908777.